The following is an entry in ClinVar:

NM_004336.5(BUB1):c.2240T>C (p.Ile747Thr)

Gene: BUB1 (BUB1 mitotic checkpoint serine/threonine kinase; minus strand). Cytogenetic location: 2q13.
Variant type: single nucleotide variant.
Coding change: c.2240T>C on transcript NM_004336.5 (MANE Select); coding-DNA position 2240, T replaced by C.
Protein change: p.Ile747Thr; replaces isoleucine 747 with threonine.
Molecular consequence: missense variant.
Genome position (GRCh38, 1-based): chr2:110,649,341, A>G on the plus strand (T>C on the coding strand, the complement: BUB1 is on the minus strand). VCF-style: chr2-110649341-A-G. GRCh37 (hg19) VCF-style: chr2-111406918-A-G.
Other names: c.2180T>C, p.Ile727Thr (NM_001278616.2); c.2240T>C, p.Ile747Thr (NM_001278617.2); short protein forms I727T, I747T.
Identifiers: ClinVar variation 2451239 (VCV002451239.2), dbSNP rs2467987448, ClinGen allele CA348209586.

ClinVar aggregate classification (germline): Uncertain significance (1 of 4 stars; one submission).

Submission:

Ambry Genetics
Classification: Uncertain significance. Last evaluated: 2022-12-11. Review status: criteria provided, single submitter. Criteria: Ambry Variant Classification Scheme 2023. Collection method: clinical testing. Allele origin: germline.
Comment: The p.I747T variant (also known as c.2240T>C), located in coding exon 19 of the BUB1 gene, results from a T to C substitution at nucleotide position 2240. The isoleucine at codon 747 is replaced by threonine, an amino acid with similar properties. This amino acid position is conserved. In addition, the in silico prediction for this alteration is inconclusive. Since supporting evidence is limited at this time, the clinical significance of this alteration remains unclear.